The following is an entry in ClinVar:

ClinVar aggregate classification (germline): Likely pathogenic (1 of 4 stars; one submission).

Conditions:
Peroxisome biogenesis disorder. Identifiers: Orphanet 79189, MedGen C1832200, MONDO:0019234. Disease mechanism: loss of function.

Submission:

Women's Health and Genetics/Laboratory Corporation of America, LabCorp
Classification: Likely pathogenic for Peroxisome biogenesis disorder. Last evaluated: 2022-05-17. Review status: criteria provided, single submitter. Criteria: LabCorp Variant Classification Summary - May 2015. Collection method: clinical testing. Allele origin: germline.
Comment: Variant summary: PEX1 c.129+1G>A is located in a canonical splice-site and is predicted to affect mRNA splicing resulting in a significantly altered protein due to either exon skipping, shortening, or inclusion of intronic material. Several computational tools predict a significant impact on normal splicing: Four predict the variant abolishes a 5' splicing donor site. However, these predictions have yet to be confirmed by functional studies. The variant was absent in 157078 control chromosomes (gnomAD). To our knowledge, no occurrence of c.129+1G>A in individuals affected with Zellweger Syndrome and no experimental evidence demonstrating its impact on protein function have been reported. No clinical diagnostic laboratories have submitted clinical-significance assessments for this variant to ClinVar after 2014. Based on the evidence outlined above, the variant was classified as likely pathogenic.

NM_000466.3(PEX1):c.129+1G>A

Gene: PEX1 (peroxisomal biogenesis factor 1; minus strand). Cytogenetic location: 7q21.2.
Variant type: single nucleotide variant.
Coding change: c.129+1G>A on transcript NM_000466.3 (MANE Select); the canonical splice donor site of the intron after coding-DNA position 129, G replaced by A.
Molecular consequence: splice donor variant.
Genome position (GRCh38, 1-based): chr7:92,528,306, C>T on the plus strand (G>A on the coding strand, the complement: PEX1 is on the minus strand). VCF-style: chr7-92528306-C-T. GRCh37 (hg19) VCF-style: chr7-92157620-C-T.
Other names: c.129+1G>A (NM_001282677.2); c.-531+1G>A (NM_001282678.2).
Identifiers: ClinVar variation 1696139 (VCV001696139.1), dbSNP rs2116298327, ClinGen allele CA368207294.